The following is an entry in ClinVar:

ClinVar aggregate classification (germline): Uncertain significance. Review status: criteria provided, multiple submitters, no conflicts (2 of 4 stars). 3 submissions from 3 submitters: Uncertain significance (3). Last evaluated 2025-08-06.

Conditions:
Megacystis-microcolon-intestinal hypoperistalsis syndrome 1. Identifiers: MedGen C5542316, MONDO:0100354, OMIM 249210.
Aortic aneurysm, familial thoracic 7 (AAT7). Also called: AORTIC DISSECTION, FAMILIAL, WITH OR WITHOUT AORTIC ANEURYSM. Identifiers: MedGen C3151077, MONDO:0013418, OMIM 613780.
Familial thoracic aortic aneurysm and aortic dissection (TAAD). Also called: Thoracic aortic aneurysms and dissections. Identifiers: Orphanet 91387, MedGen C4707243, MONDO:0019625.

Allele frequency attached by ClinVar (database versions not stated): TOPMed below 0.00001; gnomAD exomes 0.00001; ExAC 0.00002.
gnomAD v4.1: 7 of 1,614,134 alleles (0.00043%); highest among the groups gnomAD compares: Non-Finnish European, 0.00059%; no homozygotes.

Submissions (3):

Ambry Genetics
Classification: Uncertain significance for Familial thoracic aortic aneurysm and aortic dissection. Last evaluated: 2025-08-06. Review status: criteria provided, single submitter. Criteria: Ambry Variant Classification Scheme 2023. Collection method: clinical testing. Allele origin: germline.
Comment: The p.P1228A variant (also known as c.3682C>G), located in coding exon 18 of the MYLK gene, results from a C to G substitution at nucleotide position 3682. The proline at codon 1228 is replaced by alanine, an amino acid with highly similar properties. This amino acid position is well conserved in available vertebrate species. In addition, this alteration is predicted to be tolerated by in silico analysis. Based on the available evidence, the clinical significance of this variant remains unclear.

Labcorp Genetics (formerly Invitae), Labcorp
Classification: Uncertain significance for Aortic aneurysm, familial thoracic 7. Last evaluated: 2025-07-23. Review status: criteria provided, single submitter. Criteria: Invitae Variant Classification Sherloc (09022015). Collection method: clinical testing. Allele origin: germline.
Comment: This sequence change replaces proline, which is neutral and non-polar, with alanine, which is neutral and non-polar, at codon 1228 of the MYLK protein (p.Pro1228Ala). This variant is present in population databases (rs766218230, gnomAD 0.002%). This variant has not been reported in the literature in individuals affected with MYLK-related conditions. ClinVar contains an entry for this variant (Variation ID: 949233). Invitae Evidence Modeling of protein sequence and biophysical properties (such as structural, functional, and spatial information, amino acid conservation, physicochemical variation, residue mobility, and thermodynamic stability) indicates that this missense variant is not expected to disrupt MYLK protein function with a negative predictive value of 80%. In summary, the available evidence is currently insufficient to determine the role of this variant in disease. Therefore, it has been classified as a Variant of Uncertain Significance.

Fulgent Genetics
Classification: Uncertain significance for Megacystis-microcolon-intestinal hypoperistalsis syndrome 1; Aortic aneurysm, familial thoracic 7. Last evaluated: 2021-08-31. Review status: criteria provided, single submitter. Criteria: ACMG Guidelines, 2015. Collection method: clinical testing. Allele origin: unknown.

NM_053025.4(MYLK):c.3682C>G (p.Pro1228Ala)

Gene: MYLK (myosin light chain kinase; minus strand). Cytogenetic location: 3q21.1.
Variant type: single nucleotide variant.
Coding change: c.3682C>G on transcript NM_053025.4 (MANE Select); coding-DNA position 3682, C replaced by G.
Protein change: p.Pro1228Ala; replaces proline 1228 with alanine.
Molecular consequence: missense variant.
Genome position (GRCh38, 1-based): chr3:123,667,158, G>C on the plus strand (C>G on the coding strand, the complement: MYLK is on the minus strand). VCF-style: chr3-123667158-G-C. GRCh37 (hg19) VCF-style: chr3-123386005-G-C.
Other names: c.3154C>G, p.Pro1052Ala (NM_001321309.2); c.3475C>G, p.Pro1159Ala (NM_053026.4, NM_053028.4); c.3682C>G, p.Pro1228Ala (NM_053027.4); short protein forms P1159A, P1228A, P1052A.
Identifiers: ClinVar variation 949233 (VCV000949233.10), dbSNP rs766218230, ClinGen allele CA070022.
Genomic context (GRCh38, chr3:123,667,158, plus strand): 5'-ATGACTTCTTTGACCCCAGATAGTGCCGTGGCCAATTACCTGCCTTCGGAGGTGTCTTGG[G>C]GGCAGGTTTCTTTTTCACAGTCGCATCACCTGAAACAAAGAAGTTCACAAGTTATTTCCT-3'
Protein context (NP_444253.3, residues 1218-1238): SDATVKKKPA[Pro1228Ala]KTPPKAAMPP